The following is an entry in ClinVar:

NM_000275.3(OCA2):c.2328T>C (p.Ala776=)

Gene: OCA2 (OCA2 melanosomal transmembrane protein; minus strand). Cytogenetic location: 15q13.1.
Variant type: single nucleotide variant.
Coding change: c.2328T>C on transcript NM_000275.3 (MANE Select); coding-DNA position 2328, T replaced by C.
Protein change: p.Ala776=; no amino-acid change (alanine 776 retained).
Molecular consequence: synonymous variant.
Genome position (GRCh38, 1-based): chr15:27,851,392, A>G on the plus strand (T>C on the coding strand, the complement: OCA2 is on the minus strand). VCF-style: chr15-27851392-A-G. GRCh37 (hg19) VCF-style: chr15-28096538-A-G.
Other names: c.2256T>C, p.Ala752= (NM_001300984.2).
Identifiers: ClinVar variation 195643 (VCV000195643.23), dbSNP rs1800419, ClinGen allele CA201867.

ClinVar aggregate classification (germline): Benign. Review status: criteria provided, multiple submitters, no conflicts (2 of 4 stars). 9 submissions from 9 submitters: Benign (9). Last evaluated 2026-02-04.

Conditions:
SKIN/HAIR/EYE PIGMENTATION 1, BLUE/NONBLUE EYES (SHEP1). Also called: SKIN/HAIR/EYE PIGMENTATION 1, BLOND/BROWN HAIR; SKIN/HAIR/EYE PIGMENTATION 1, BLUE/BROWN EYES; EYE COLOR 3; EYE COLOR, BLUE/NONBLUE; EYE COLOR, BROWN/BLUE; HAIR COLOR 3. Identifiers: MedGen C1856895, OMIM 227220.
Tyrosinase-positive oculocutaneous albinism (OCA2). Also called: ALBINISM II; Albinism, oculocutaneous, type II; Oculocutaneous albinism type 2. Identifiers: Orphanet 79432, MedGen C0268495, MONDO:0008746, OMIM 203200.

Allele frequency attached by ClinVar (database versions not stated): gnomAD exomes 0.42445 and 0.43455; ExAC 0.44926; gnomAD 0.47440 and 0.47475; TOPMed 0.48612; ESP Exome Variant Server 0.49646; 1000 Genomes Project 0.50240; 1000 Genomes Project 30x 0.50687.
gnomAD v4.1: 693,526 of 1,612,484 alleles (43%); highest among the groups gnomAD compares: African/African-American, 62%; 152,875 homozygotes.

Submissions (9):

Labcorp Genetics (formerly Invitae), Labcorp
Classification: Benign. Last evaluated: 2026-02-04. Review status: criteria provided, single submitter. Criteria: Invitae Variant Classification Sherloc (09022015). Collection method: clinical testing. Allele origin: germline.

Women's Health and Genetics/Laboratory Corporation of America, LabCorp
Classification: Benign. Last evaluated: 2025-06-20. Review status: criteria provided, single submitter. Criteria: LabCorp Variant Classification Summary - May 2015. Collection method: clinical testing. Allele origin: germline.

Blueprint Genetics
Classification: Benign. Last evaluated: 2024-11-28. Review status: criteria provided, single submitter. Criteria: ACMG Guidelines, 2015. Collection method: clinical testing. Allele origin: germline.

Fulgent Genetics
Classification: Benign for Tyrosinase-positive oculocutaneous albinism; SKIN/HAIR/EYE PIGMENTATION 1, BLUE/NONBLUE EYES. Last evaluated: 2022-03-17. Review status: criteria provided, single submitter. Criteria: ACMG Guidelines, 2015. Collection method: clinical testing. Allele origin: unknown.

Genome-Nilou Lab
Classification: Benign for Tyrosinase-positive oculocutaneous albinism. Last evaluated: 2021-09-05. Review status: criteria provided, single submitter. Criteria: ACMG Guidelines, 2015. Collection method: clinical testing. Allele origin: germline. Affected: no.

Illumina Laboratory Services, Illumina
Classification: Benign for Tyrosinase-positive oculocutaneous albinism. Last evaluated: 2018-01-12. Review status: criteria provided, single submitter. Criteria: ICSL Variant Classification Criteria 13 December 2019. Collection method: clinical testing. Allele origin: germline.
Comment: This variant was observed in the ICSL laboratory as part of a predisposition screen in an ostensibly healthy population. It had not been previously curated by ICSL or reported in the Human Gene Mutation Database (HGMD: prior to June 1st, 2018), and was therefore a candidate for classification through an automated scoring system. Utilizing variant allele frequency, disease prevalence and penetrance estimates, and inheritance mode, an automated score was calculated to assess if this variant is too frequent to cause the disease. Based on the score and internal cut-off values, a variant classified as benign is not then subjected to further curation. The score for this variant resulted in a classification of benign for this disease.

Eurofins Ntd Llc (ga)
Classification: Benign. Last evaluated: 2015-01-21. Review status: criteria provided, single submitter. Criteria: EGL Classification Definitions 2015. Collection method: clinical testing. Allele origin: germline. Observed: 2 variant alleles, 2 heterozygotes.

Breakthrough Genomics
Classification: Benign. Review status: criteria provided, single submitter. Criteria: ACMG Guidelines, 2015. Collection method: not provided. Allele origin: germline. Inheritance: Autosomal recessive inheritance. Affected: yes.

PreventionGenetics, part of Exact Sciences
Classification: Benign. Review status: criteria provided, single submitter. Criteria: ACMG Guidelines, 2015. Collection method: clinical testing. Allele origin: germline.